The following is an entry in ClinVar:

ClinVar aggregate classification (germline): not provided (0 of 4 stars; one submission).

Conditions:
Hypotension. Also called: Hypotensive disorder; low blood pressure. Identifiers: MedGen C0020649, MONDO:0005468, HP:0002615, MeSH D007022.

Allele frequency attached by ClinVar (database versions not stated): ExAC 0.00001; gnomAD exomes 0.00001; TOPMed 0.00001.
gnomAD v4.1: 11 of 1,614,118 alleles (0.00068%); highest among the groups gnomAD compares: South Asian, 0.0011%; no homozygotes.

Submission:

Centre for molecular medicine, Karolinska Institutet
No classification provided. Condition: Hypotension. Review status: no classification provided. Collection method: not provided. Allele origin: not provided.
Comment: hold until published

NM_017637.6(BNC2):c.1239T>C (p.Asp413=)

Gene: BNC2 (basonuclin zinc finger protein 2; minus strand). Cytogenetic location: 9p22.3.
Variant type: single nucleotide variant.
Coding change: c.1239T>C on transcript NM_017637.6 (MANE Select); coding-DNA position 1239, T replaced by C.
Protein change: p.Asp413=; no amino-acid change (aspartic acid 413 retained).
Molecular consequence: synonymous variant.
Genome position (GRCh38, 1-based): chr9:16,436,955, A>G on the plus strand (T>C on the coding strand, the complement: BNC2 is on the minus strand). VCF-style: chr9-16436955-A-G. GRCh37 (hg19) VCF-style: chr9-16436953-A-G.
Other names: c.1113T>C, p.Asp371= (NM_001317939.2); c.954T>C, p.Asp318= (NM_001317940.2).
Identifiers: ClinVar variation 120227 (VCV000120227.1), dbSNP rs483353011, ClinGen allele CA204312.